The following is an entry in ClinVar:

ClinVar aggregate classification (germline): Likely benign. Review status: criteria provided, multiple submitters, no conflicts (2 of 4 stars). 2 submissions from 2 submitters: Likely benign (2). Last evaluated 2023-03-01.

Allele frequency attached by ClinVar (database versions not stated): gnomAD exomes 0.00001; ExAC 0.00005; ESP Exome Variant Server 0.00015; gnomAD 0.00018; TOPMed 0.00025.
gnomAD v4.1: 56 of 1,613,954 alleles (0.0035%); highest among the groups gnomAD compares: African/African-American, 0.033%; no homozygotes.

Submissions (2):

CeGaT Center for Human Genetics Tuebingen
Classification: Likely benign. Last evaluated: 2023-03-01. Review status: criteria provided, single submitter. Criteria: CeGaT Center For Human Genetics Tuebingen Variant Classification Criteria Version 2. Collection method: clinical testing. Allele origin: germline. Affected: yes. Observed: 1 variant allele.
Comment: SPTBN4: BP4, BP7

Blueprint Genetics
Classification: Likely benign. Last evaluated: 2021-01-18. Review status: criteria provided, single submitter. Criteria: ACMG Guidelines, 2015. Collection method: clinical testing. Allele origin: germline.

NM_020971.3(SPTBN4):c.4299G>A (p.Leu1433=)

Gene: SPTBN4 (spectrin beta, non-erythrocytic 4; plus strand). Cytogenetic location: 19q13.2.
Variant type: single nucleotide variant.
Coding change: c.4299G>A on transcript NM_020971.3 (MANE Select); coding-DNA position 4299, G replaced by A.
Protein change: p.Leu1433=; no amino-acid change (leucine 1433 retained).
Molecular consequence: synonymous variant.
Genome position (GRCh38, 1-based): chr19:40,534,283, G>A. VCF-style: chr19-40534283-G-A. GRCh37 (hg19) VCF-style: chr19-41040190-G-A.
Other names: c.327G>A, p.Leu109= (NM_025213.3).
Identifiers: ClinVar variation 2649898 (VCV002649898.25), dbSNP rs370800219, ClinGen allele CA9446222.